The following is an entry in ClinVar:

ClinVar aggregate classification (germline): Uncertain significance. Review status: criteria provided, multiple submitters, no conflicts (2 of 4 stars). 2 submissions from 2 submitters: Uncertain significance (2). Last evaluated 2025-12-21.

Conditions:
Cardiovascular phenotype. Identifiers: MedGen CN230736.

Allele frequency attached by ClinVar (database versions not stated): TOPMed 0.00003.

Submissions (2):

Ambry Genetics
Classification: Uncertain significance for Cardiovascular phenotype. Last evaluated: 2025-12-21. Review status: criteria provided, single submitter. Criteria: Ambry Variant Classification Scheme 2023. Collection method: clinical testing. Allele origin: germline.
Comment: The p.G203R variant (also known as c.607G>C), located in coding exon 3 of the APOA5 gene, results from a G to C substitution at nucleotide position 607. The glycine at codon 203 is replaced by arginine, an amino acid with dissimilar properties. This amino acid position is conserved. In addition, this alteration is predicted to be tolerated by in silico analysis. Since supporting evidence is limited at this time, the clinical significance of this alteration remains unclear.

GeneDx
Classification: Uncertain significance. Last evaluated: 2023-06-01. Review status: criteria provided, single submitter. Criteria: GeneDx Variant Classification Process June 2021. Collection method: clinical testing. Allele origin: germline. Affected: yes.
Comment: Has not been previously published as pathogenic or benign to our knowledge; Not observed at significant frequency in large population cohorts (gnomAD); In silico analysis supports that this missense variant does not alter protein structure/function

NM_001371904.1(APOA5):c.607G>C (p.Gly203Arg)

Gene: APOA5 (apolipoprotein A5; minus strand). Cytogenetic location: 11q23.3.
Variant type: single nucleotide variant.
Coding change: c.607G>C on transcript NM_001371904.1 (MANE Select); coding-DNA position 607, G replaced by C.
Protein change: p.Gly203Arg; replaces glycine 203 with arginine.
Molecular consequence: missense variant.
Genome position (GRCh38, 1-based): chr11:116,790,622, C>G on the plus strand (G>C on the coding strand, the complement: APOA5 is on the minus strand). VCF-style: chr11-116790622-C-G. GRCh37 (hg19) VCF-style: chr11-116661338-C-G.
Other names: c.607G>C, p.Gly203Arg (NM_001166598.2, NM_052968.5); short protein forms G203R.
Identifiers: ClinVar variation 3228884 (VCV003228884.3), dbSNP rs778493133, ClinGen allele CA229337786.